The following is an entry in ClinVar:

NM_004519.4(KCNQ3):c.337G>T (p.Asp113Tyr)

Gene: KCNQ3 (potassium voltage-gated channel subfamily Q member 3; minus strand). Cytogenetic location: 8q24.22.
Variant type: single nucleotide variant.
Coding change: c.337G>T on transcript NM_004519.4 (MANE Select); coding-DNA position 337, G replaced by T.
Protein change: p.Asp113Tyr; replaces aspartic acid 113 with tyrosine.
Molecular consequence: missense variant.
Genome position (GRCh38, 1-based): chr8:132,480,196, C>A on the plus strand (G>T on the coding strand, the complement: KCNQ3 is on the minus strand). VCF-style: chr8-132480196-C-A. GRCh37 (hg19) VCF-style: chr8-133492443-C-A.
Other names: short protein forms D113Y.
Identifiers: ClinVar variation 3375061 (VCV003375061.1).
Genomic context (GRCh38, chr8:132,480,196, plus strand): 5'-CGGGTACTCACACCAACGCGTGGTAAAGCAGCGCCCAGCCCCGCGGTCTCTCCAGGGCGT[C>A]GTAGATCAAAGTTTGGATGCGCCGGTACTTGGCGTTGTTTCTCTTGACTGGGCGGCTCAG-3'
Protein context (NP_004510.1, residues 103-123): KYRRIQTLIY[Asp113Tyr]ALERPRGWAL

ClinVar aggregate classification (germline): Uncertain significance (1 of 4 stars; one submission).

Submission:

Women's Health and Genetics/Laboratory Corporation of America, LabCorp
Classification: Uncertain significance. Last evaluated: 2024-09-04. Review status: criteria provided, single submitter. Criteria: LabCorp Variant Classification Summary - May 2015. Collection method: clinical testing. Allele origin: germline.
Comment: Variant summary: KCNQ3 c.337G>T (p.Asp113Tyr) results in a non-conservative amino acid change in the encoded protein sequence. Five of five in-silico tools predict a damaging effect of the variant on protein function. The variant was absent in 249482 control chromosomes. The available data on variant occurrences in the general population are insufficient to allow any conclusion about variant significance. To our knowledge, no occurrence of c.337G>T in individuals affected with Benign Familial Neonatal Seizures 2 and no experimental evidence demonstrating its impact on protein function have been reported. No submitters have cited clinical-significance assessments for this variant to ClinVar. Based on the evidence outlined above, the variant was classified as uncertain significance.